The following is an entry in ClinVar:

NM_006269.2(RP1):c.257dup (p.Arg87fs)

Gene: RP1 (RP1 axonemal microtubule associated; plus strand). Cytogenetic location: 8q12.1.
Variant type: Duplication.
Coding change: c.257dup on transcript NM_006269.2 (MANE Select); coding-DNA position 257, one base duplicated (C; older notation c.257dupC).
Protein change: p.Arg87fs; shifts the reading frame from arginine 87.
Molecular consequence: frameshift variant.
Genome position (GRCh38, 1-based): chr8:54,621,223, C duplicated; the last of 4 consecutive C bases (chr8:54,621,220-54,621,223); duplicating any one gives the same sequence. VCF-style (leftmost placement, unchanged base first): chr8-54621219-A-AC. GRCh37 (hg19) VCF-style: chr8-55533779-A-AC.
Other names: c.257dup, p.Arg87fs (NM_001375654.1); short protein forms R87fs.
Identifiers: ClinVar variation 1323531 (VCV001323531.7), dbSNP rs1314420869, ClinGen allele CA582185411.

ClinVar aggregate classification (germline): Pathogenic. Review status: criteria provided, multiple submitters, no conflicts (2 of 4 stars). 3 submissions from 3 submitters: Pathogenic (3). Last evaluated 2024-10-08.

Conditions:
Retinitis pigmentosa 1 (RP1). Identifiers: Orphanet 791, MedGen C0220701, MONDO:0008377, OMIM 180100.

Submissions (3):

3billion
Classification: Pathogenic for Retinitis pigmentosa 1. Last evaluated: 2024-10-08. Review status: criteria provided, single submitter. Criteria: ACMG Guidelines, 2015. Collection method: clinical testing. Allele origin: germline. Affected: yes.
Comment: The variant is observed at an extremely low frequency in the gnomAD v4.1.0 dataset (total allele frequency: <0.001%). Predicted Consequence/Location: Frameshift: predicted to result in a loss or disruption of normal protein function through nonsense-mediated decay (NMD) or protein truncation. Multiple pathogenic variants are reported downstream of the variant. The variant has been reported to be associated with RP1 related disorder (ClinVar ID: VCV001323531 /PMID: 25356976). Therefore, this variant is classified as Pathogenic according to the recommendation of ACMG/AMP guideline.

Revvity Omics, Revvity
Classification: Pathogenic for Retinitis pigmentosa 1. Last evaluated: 2020-07-15. Review status: criteria provided, single submitter. Criteria: ACMG Guidelines, 2015. Collection method: clinical testing. Allele origin: germline.

Juno Genomics, Hangzhou Juno Genomics, Inc
Classification: Pathogenic for Retinitis pigmentosa 1. Review status: criteria provided, single submitter. Criteria: ACMG Guidelines, 2015. Collection method: clinical testing. Allele origin: germline.
Comment: Absent from controls (or at extremely low frequency if recessive) in Genome Aggregation Database.;Null variant in a gene where loss of function (LOF) is a known mechanism of disease.;For recessive disorders, detected in trans with a pathogenic variant.;Patient's phenotype or family history is highly specific for a disease with a single genetic etiology.

Literature cited by the submitters: PubMed 25356976 (cited by 3billion).